The following is an entry in ClinVar:

ClinVar aggregate classification (germline): Uncertain significance (1 of 4 stars; one submission).

Allele frequency attached by ClinVar (database versions not stated): gnomAD exomes below 0.00001 and 0.00001; gnomAD 0.00001; TOPMed 0.00002.
gnomAD v4.1: 5 of 1,613,918 alleles (0.00031%); highest among the groups gnomAD compares: Non-Finnish European, 0.00034%; no homozygotes.

Submission:

Laboratorio de Genetica e Diagnostico Molecular, Hospital Israelita Albert Einstein
Classification: Uncertain significance. Last evaluated: 2022-01-07. Review status: criteria provided, single submitter. Criteria: ACMG Guidelines, 2015. Collection method: clinical testing. Allele origin: germline. Affected: yes.
Comment: ACMG classification criteria: PM2, BP4

NM_152641.4(ARID2):c.2581A>G (p.Ile861Val)

Gene: ARID2 (AT-rich interaction domain 2; plus strand). Cytogenetic location: 12q12.
Variant type: single nucleotide variant.
Coding change: c.2581A>G on transcript NM_152641.4 (MANE Select); coding-DNA position 2581, A replaced by G.
Protein change: p.Ile861Val; replaces isoleucine 861 with valine.
Molecular consequence: missense variant.
Genome position (GRCh38, 1-based): chr12:45,850,704, A>G. VCF-style: chr12-45850704-A-G. GRCh37 (hg19) VCF-style: chr12-46244487-A-G.
Other names: c.2581A>G, p.Ile861Val (NM_001347839.2); short protein forms I861V.
Identifiers: ClinVar variation 1690548 (VCV001690548.2), dbSNP rs1407814697, ClinGen allele CA384475706.